The following is an entry in ClinVar:

NM_032638.5(GATA2):c.83G>A (p.Gly28Asp)

Gene: GATA2 (GATA binding protein 2; minus strand). Cytogenetic location: 3q21.3.
Variant type: single nucleotide variant.
Coding change: c.83G>A on transcript NM_032638.5 (MANE Select); coding-DNA position 83, G replaced by A.
Protein change: p.Gly28Asp; replaces glycine 28 with aspartic acid.
Molecular consequence: missense variant.
Genome position (GRCh38, 1-based): chr3:128,486,949, C>T on the plus strand (G>A on the coding strand, the complement: GATA2 is on the minus strand). VCF-style: chr3-128486949-C-T. GRCh37 (hg19) VCF-style: chr3-128205792-C-T.
Other names: c.83G>A, p.Gly28Asp (NM_001145661.2, NM_001145662.1); short protein forms G28D.
Identifiers: ClinVar variation 1991005 (VCV001991005.5), dbSNP rs2472934837, ClinGen allele CA354408983.

ClinVar aggregate classification (germline): Uncertain significance. Review status: criteria provided, multiple submitters, no conflicts (2 of 4 stars). 2 submissions from 2 submitters: Uncertain significance (2). Last evaluated 2025-03-10.

Conditions:
Deafness-lymphedema-leukemia syndrome. Also called: Lymphedema, primary, with myelodysplasia; Emberger syndrome. Identifiers: Orphanet 3226, MedGen C3279664, MONDO:0013540, OMIM 614038.
Monocytopenia with susceptibility to infections. Also called: MONOCYTOPENIA AND MYCOBACTERIAL INFECTION SYNDROME; MONOCYTOPENIA WITH SUSCEPTIBILITY TO MYCOBACTERIAL, FUNGAL, AND PAPILLOMAVIRUS INFECTIONS AND MYELODYSPLASIA; COMBINED IMMUNODEFICIENCY WITH SUSCEPTIBILITY TO MYCOBACTERIAL, VIRAL, AND FUNGAL INFECTIONS; Dendritic cell, monocyte, B lymphocyte, and natural killer lymphocyte deficiency; IMMUNODEFICIENCY 21; GATA2 DEFICIENCY. Identifiers: Orphanet 228423, MedGen C3280030, MONDO:0013607, OMIM 614172.
Inborn genetic diseases. Identifiers: MedGen C0950123, MeSH D030342.

Submissions (2):

Ambry Genetics
Classification: Uncertain significance for Inborn genetic diseases. Last evaluated: 2025-03-10. Review status: criteria provided, single submitter. Criteria: Ambry Variant Classification Scheme 2023. Collection method: clinical testing. Allele origin: germline.
Comment: The p.G28D variant (also known as c.83G>A), located in coding exon 1 of the GATA2 gene, results from a G to A substitution at nucleotide position 83. The glycine at codon 28 is replaced by aspartic acid, an amino acid with similar properties. This amino acid position is conserved. In addition, this alteration is predicted to be deleterious by in silico analysis. Based on the available evidence, the clinical significance of this variant remains unclear.

Labcorp Genetics (formerly Invitae), Labcorp
Classification: Uncertain significance for Monocytopenia with susceptibility to infections; Deafness-lymphedema-leukemia syndrome. Last evaluated: 2022-07-22. Review status: criteria provided, single submitter. Criteria: Invitae Variant Classification Sherloc (09022015). Collection method: clinical testing. Allele origin: germline.
Comment: This sequence change replaces glycine, which is neutral and non-polar, with aspartic acid, which is acidic and polar, at codon 28 of the GATA2 protein (p.Gly28Asp). This variant is not present in population databases (gnomAD no frequency). This variant has not been reported in the literature in individuals affected with GATA2-related conditions. Algorithms developed to predict the effect of missense changes on protein structure and function are either unavailable or do not agree on the potential impact of this missense change (SIFT: "Deleterious"; PolyPhen-2: "Probably Damaging"; Align-GVGD: "Class C0"). In summary, the available evidence is currently insufficient to determine the role of this variant in disease. Therefore, it has been classified as a Variant of Uncertain Significance.